The following is an entry in ClinVar:

ClinVar aggregate classification (germline): Uncertain significance (1 of 4 stars; one submission).

Conditions:
PLXNA2-related disorder. Also called: PLXNA2-related condition.

Submission:

PreventionGenetics, part of Exact Sciences
Classification: Uncertain significance for PLXNA2-related condition. Last evaluated: 2024-12-18. Review status: criteria provided, single submitter. Criteria: ACMG Guidelines, 2015. Collection method: clinical testing. Allele origin: germline.
Comment: The PLXNA2 c.4218G>C variant is predicted to result in the amino acid substitution p.Lys1406Asn. To our knowledge, this variant has not been reported in the literature or in a large population database (gnomAD), indicating this variant is rare. At this time, the clinical significance of this variant is uncertain due to the absence of conclusive functional and genetic evidence.

NM_025179.4(PLXNA2):c.4218G>C (p.Lys1406Asn)

Gene: PLXNA2 (plexin A2; minus strand). Cytogenetic location: 1q32.2.
Variant type: single nucleotide variant.
Coding change: c.4218G>C on transcript NM_025179.4 (MANE Select); coding-DNA position 4218, G replaced by C.
Protein change: p.Lys1406Asn; replaces lysine 1406 with asparagine.
Molecular consequence: missense variant.
Genome position (GRCh38, 1-based): chr1:208,042,166, C>G on the plus strand (G>C on the coding strand, the complement: PLXNA2 is on the minus strand). VCF-style: chr1-208042166-C-G. GRCh37 (hg19) VCF-style: chr1-208215511-C-G.
Other names: short protein forms K1406N.
Identifiers: ClinVar variation 5001557 (VCV005001557.1).